The following is an entry in ClinVar:

NM_015102.5(NPHP4):c.1357G>T (p.Glu453Ter)

Gene: NPHP4 (nephrocystin 4; minus strand). Cytogenetic location: 1p36.31.
Variant type: single nucleotide variant.
Coding change: c.1357G>T on transcript NM_015102.5 (MANE Select); coding-DNA position 1357, G replaced by T.
Protein change: p.Glu453Ter; replaces glutamic acid 453 with a stop codon.
Molecular consequence: nonsense. On other transcripts: 5 prime UTR variant (2), non-coding transcript variant (1).
Genome position (GRCh38, 1-based): chr1:5,927,733, C>A on the plus strand (G>T on the coding strand, the complement: NPHP4 is on the minus strand). VCF-style: chr1-5927733-C-A. GRCh37 (hg19) VCF-style: chr1-5987793-C-A.
Other names: c.-10G>T (NM_001291593.2, NM_001291594.2); short protein forms E453*.
Identifiers: ClinVar variation 596144 (VCV000596144.13), dbSNP rs1210874691, ClinGen allele CA338060126.
Genomic context (GRCh38, chr1:5,927,733, plus strand): 5'-TGGAAGGCCGCCGCTCCACTTTGGGGCCACTGACAGGCTCCGTGGGTGCATCCAGGTGTT[C>A]TTCTGAGCCCAGCGAGAACTGGAACCGGAGTGTACCCGACTCCACCTGCTTCACCTGCAA-3'

ClinVar aggregate classification (germline): Pathogenic/Likely pathogenic. Review status: criteria provided, multiple submitters, no conflicts (2 of 4 stars). 3 submissions from 3 submitters: Pathogenic (2); Likely pathogenic (1). Last evaluated 2024-04-27.

Conditions:
Nephronophthisis. Also called: Juvenile Nephronophthisis. Identifiers: Orphanet 655, MedGen C0687120, MONDO:0019005, HP:0000090.
Nephronophthisis 4 (NPHP4). Also called: NEPHRONOPHTHISIS 4, JUVENILE. Identifiers: Orphanet 655, MedGen C1847013, MONDO:0011752, OMIM 606966.
Senior-Loken syndrome 4 (SLSN4). Identifiers: Orphanet 3156, MedGen C1846979, MONDO:0011756, OMIM 606996.

Allele frequency attached by ClinVar (database versions not stated): gnomAD exomes below 0.00001; TOPMed 0.00001; gnomAD 0.00002.
gnomAD v4.1: 5 of 1,613,482 alleles (0.00031%); highest among the groups gnomAD compares: African/African-American, 0.0053%; no homozygotes.

Submissions (3):

Fulgent Genetics
Classification: Likely pathogenic for Nephronophthisis 4; Senior-Loken syndrome 4. Last evaluated: 2024-04-27. Review status: criteria provided, single submitter. Criteria: ACMG Guidelines, 2015. Collection method: clinical testing. Allele origin: germline.

Labcorp Genetics (formerly Invitae), Labcorp
Classification: Pathogenic for Nephronophthisis. Last evaluated: 2020-09-05. Review status: criteria provided, single submitter. Criteria: Invitae Variant Classification Sherloc (09022015). Collection method: clinical testing. Allele origin: germline.
Comment: This sequence change creates a premature translational stop signal (p.Glu453*) in the NPHP4 gene. It is expected to result in an absent or disrupted protein product. This variant is not present in population databases (ExAC no frequency). This variant has not been reported in the literature in individuals with NPHP4-related disease. Loss-of-function variants in NPHP4 are known to be pathogenic (PMID: 23559409). For these reasons, this variant has been classified as Pathogenic.

Eurofins Ntd Llc (ga)
Classification: Pathogenic. Last evaluated: 2018-02-13. Review status: criteria provided, single submitter. Criteria: EGL ClinVar v180209 classification definitions. Collection method: clinical testing. Allele origin: germline. Observed: 1 variant allele, 1 heterozygote.

Literature cited by the submitters: PubMed 23559409 (cited by Labcorp Genetics (formerly Invitae), Labcorp).